The following is an entry in ClinVar:

ClinVar aggregate classification (germline): Uncertain significance (1 of 4 stars; one submission).

Conditions:
Multiple congenital anomalies-hypotonia-seizures syndrome 2 (MCAHS2). Also called: GLYCOSYLPHOSPHATIDYLINOSITOL BIOSYNTHESIS DEFECT 4; EPILEPTIC ENCEPHALOPATHY, EARLY INFANTILE, 20. Identifiers: Orphanet 300496, MedGen C3275508, MONDO:0010466, OMIM 300868.

Allele frequency attached by ClinVar (database versions not stated): gnomAD 0.00002; TOPMed 0.00002.
gnomAD v4.1: 2 of 1,208,244 alleles (0.00017%); highest among the groups gnomAD compares: African/African-American, 0.0035%; no homozygotes.

Submission:

Labcorp Genetics (formerly Invitae), Labcorp
Classification: Uncertain significance for Multiple congenital anomalies-hypotonia-seizures syndrome 2. Last evaluated: 2020-03-02. Review status: criteria provided, single submitter. Criteria: Invitae Variant Classification Sherloc (09022015). Collection method: clinical testing. Allele origin: germline.
Comment: In summary, the available evidence is currently insufficient to determine the role of this variant in disease. Therefore, it has been classified as a Variant of Uncertain Significance. Algorithms developed to predict the effect of missense changes on protein structure and function (SIFT, PolyPhen-2, Align-GVGD) all suggest that this variant is likely to be tolerated, but these predictions have not been confirmed by published functional studies and their clinical significance is uncertain. This variant has not been reported in the literature in individuals with PIGA-related conditions. This variant is not present in population databases (ExAC no frequency). This sequence change replaces aspartic acid with histidine at codon 414 of the PIGA protein (p.Asp414His). The aspartic acid residue is moderately conserved and there is a moderate physicochemical difference between aspartic acid and histidine.

NM_002641.4(PIGA):c.1240G>C (p.Asp414His)

Gene: PIGA (phosphatidylinositol glycan anchor biosynthesis class A; minus strand). Cytogenetic location: Xp22.2.
Variant type: single nucleotide variant.
Coding change: c.1240G>C on transcript NM_002641.4 (MANE Select); coding-DNA position 1240, G replaced by C.
Protein change: p.Asp414His; replaces aspartic acid 414 with histidine.
Molecular consequence: missense variant. On other transcripts: non-coding transcript variant (2).
Genome position (GRCh38, 1-based): chrX:15,321,721, C>G on the plus strand (G>C on the coding strand, the complement: PIGA is on the minus strand). VCF-style: chrX-15321721-C-G. GRCh37 (hg19) VCF-style: chrX-15339843-C-G.
Other names: c.538G>C, p.Asp180His (NM_020473.3); short protein forms D180H, D414H.
Identifiers: ClinVar variation 855699 (VCV000855699.10), dbSNP rs768524297, ClinGen allele CA412334723.